The following is an entry in ClinVar:

NM_032866.5(CGNL1):c.1531A>G (p.Thr511Ala)

Gene: CGNL1 (cingulin like 1; plus strand). Cytogenetic location: 15q21.3.
Variant type: single nucleotide variant.
Coding change: c.1531A>G on transcript NM_032866.5 (MANE Select); coding-DNA position 1531, A replaced by G.
Protein change: p.Thr511Ala; replaces threonine 511 with alanine.
Molecular consequence: missense variant.
Genome position (GRCh38, 1-based): chr15:57,439,530, A>G. VCF-style: chr15-57439530-A-G. GRCh37 (hg19) VCF-style: chr15-57731728-A-G.
Other names: c.1531A>G, p.Thr511Ala (NM_001252335.2); short protein forms T511A.
Identifiers: ClinVar variation 3061025 (VCV003061025.2), dbSNP rs1280396, ClinGen allele CA7581820.

ClinVar aggregate classification (germline): Benign (0 of 4 stars; one submission).

Conditions:
CGNL1-related disorder. Also called: CGNL1-related condition.

Allele frequency attached by ClinVar (database versions not stated): gnomAD exomes 0.82500; ExAC 0.84631; ESP Exome Variant Server 0.84716; TOPMed 0.85202; 1000 Genomes Project 0.86202; 1000 Genomes Project 30x 0.86602.
gnomAD v4.1: 1,335,944 of 1,614,014 alleles (83%); highest among the groups gnomAD compares: African/African-American, 89%; 553,767 homozygotes.

Submission:

PreventionGenetics, part of Exact Sciences
Classification: Benign for CGNL1-related condition. Last evaluated: 2019-10-17. Review status: no assertion criteria provided. Collection method: clinical testing. Allele origin: germline.
Comment: This variant is classified as benign based on ACMG/AMP sequence variant interpretation guidelines (Richards et al. 2015 PMID: 25741868, with internal and published modifications).